The following is an entry in ClinVar:

NM_138420.4(AHNAK2):c.5445T>G (p.Asp1815Glu)

Gene: AHNAK2 (AHNAK nucleoprotein 2; minus strand). Cytogenetic location: 14q32.33.
Variant type: single nucleotide variant.
Coding change: c.5445T>G on transcript NM_138420.4 (MANE Select); coding-DNA position 5445, T replaced by G.
Protein change: p.Asp1815Glu; replaces aspartic acid 1815 with glutamic acid.
Molecular consequence: missense variant.
Genome position (GRCh38, 1-based): chr14:104,950,006, A>C on the plus strand (T>G on the coding strand, the complement: AHNAK2 is on the minus strand). VCF-style: chr14-104950006-A-C. GRCh37 (hg19) VCF-style: chr14-105416343-A-C.
Other names: c.5145T>G, p.Asp1715Glu (NM_001350929.2); short protein forms D1715E, D1815E.
Identifiers: ClinVar variation 2644796 (VCV002644796.24), dbSNP rs140200392, ClinGen allele CA7381751.

ClinVar aggregate classification (germline): Benign (1 of 4 stars; one submission).

Allele frequency attached by ClinVar (database versions not stated): 1000 Genomes Project 0.00240; 1000 Genomes Project 30x 0.00250.

Submission:

CeGaT Center for Human Genetics Tuebingen
Classification: Benign. Last evaluated: 2022-09-01. Review status: criteria provided, single submitter. Criteria: CeGaT Center For Human Genetics Tuebingen Variant Classification Criteria Version 2. Collection method: clinical testing. Allele origin: germline. Affected: yes. Observed: 1 variant allele.
Comment: AHNAK2: BP4, BS1, BS2